The following is an entry in ClinVar:

ClinVar aggregate classification (germline): Uncertain significance. Review status: criteria provided, multiple submitters, no conflicts (2 of 4 stars). 2 submissions from 2 submitters: Uncertain significance (2). Last evaluated 2025-02-27.

Conditions:
Joubert syndrome. Also called: Familial aplasia of the vermis; JOUBERT-BOLTSHAUSER SYNDROME. Identifiers: Orphanet 475, MedGen C5979921, MONDO:0018772.
Meckel-Gruber syndrome. Also called: Dysencephalia splachnocystica; DYSENCEPHALIA SPLANCHNOCYSTICA; GRUBER SYNDROME. Identifiers: Orphanet 564, MedGen C0265215, MONDO:0018921.
TMEM67-related disorder. Also called: TMEM67-related condition; TMEM67-related disorders. Identifiers: MedGen CN239423.

gnomAD v4.1: 5 of 1,602,722 alleles (0.00031%); highest among the groups gnomAD compares: Non-Finnish European, 0.00043%; no homozygotes.

Submissions (2):

Labcorp Genetics (formerly Invitae), Labcorp
Classification: Uncertain significance for Joubert syndrome; Meckel-Gruber syndrome. Last evaluated: 2025-02-27. Review status: criteria provided, single submitter. Criteria: Invitae Variant Classification Sherloc (09022015). Collection method: clinical testing. Allele origin: germline.
Comment: This sequence change replaces serine, which is neutral and polar, with asparagine, which is neutral and polar, at codon 917 of the TMEM67 protein (p.Ser917Asn). This variant is not present in population databases (gnomAD no frequency). This variant has not been reported in the literature in individuals affected with TMEM67-related conditions. Invitae Evidence Modeling of protein sequence and biophysical properties (such as structural, functional, and spatial information, amino acid conservation, physicochemical variation, residue mobility, and thermodynamic stability) indicates that this missense variant is expected to disrupt TMEM67 protein function with a positive predictive value of 95%. In summary, the available evidence is currently insufficient to determine the role of this variant in disease. Therefore, it has been classified as a Variant of Uncertain Significance.

PreventionGenetics, part of Exact Sciences
Classification: Uncertain significance for TMEM67-related condition. Last evaluated: 2024-10-14. Review status: criteria provided, single submitter. Criteria: ACMG Guidelines, 2015. Collection method: clinical testing. Allele origin: germline.
Comment: The TMEM67 c.2750G>A variant is predicted to result in the amino acid substitution p.Ser917Asn. To our knowledge, this variant has not been reported in the literature or in a large population database (gnomAD), indicating this variant is rare. At this time, the clinical significance of this variant is uncertain due to the absence of conclusive functional and genetic evidence.

NM_153704.6(TMEM67):c.2750G>A (p.Ser917Asn)

Gene: TMEM67 (transmembrane protein 67; plus strand). Cytogenetic location: 8q22.1.
Variant type: single nucleotide variant.
Coding change: c.2750G>A on transcript NM_153704.6 (MANE Select); coding-DNA position 2750, G replaced by A.
Protein change: p.Ser917Asn; replaces serine 917 with asparagine.
Molecular consequence: missense variant. On other transcripts: non-coding transcript variant (1).
Genome position (GRCh38, 1-based): chr8:93,809,873, G>A. VCF-style: chr8-93809873-G-A. GRCh37 (hg19) VCF-style: chr8-94822101-G-A.
Other names: c.2507G>A, p.Ser836Asn (NM_001142301.1); short protein forms S836N, S917N.
Identifiers: ClinVar variation 4790021 (VCV004790021.2).
Genomic context (GRCh38, chr8:93,809,873, plus strand): 5'-AAGATAAGTTGCTTCTTGAAAGAATTCTTGGAATGGAATTCATGGAACCAATGGAAAAAA[G>A]CATCTTTTACAATGGTATCTTCTAAATCCCTTTGTAGAACTTGATAACTGTTTTCAAAGT-3'
Protein context (NP_714915.3, residues 907-927): GMEFMEPMEK[Ser917Asn]IFYNDEGYSF